The following is an entry in ClinVar:

ClinVar aggregate classification (germline): Uncertain significance. Review status: criteria provided, multiple submitters, no conflicts (2 of 4 stars). 2 submissions from 2 submitters: Uncertain significance (2). Last evaluated 2022-11-12.

Conditions:
Adams-Oliver syndrome 5 (AOS5). Identifiers: Orphanet 974, MedGen C4014970, MONDO:0014459, OMIM 616028.

Allele frequency attached by ClinVar (database versions not stated): gnomAD exomes below 0.00001; TOPMed below 0.00001.
gnomAD v4.1: 6 of 1,543,072 alleles (0.00039%); highest among the groups gnomAD compares: African/African-American, 0.0014%; no homozygotes.

Submissions (2):

Labcorp Genetics (formerly Invitae), Labcorp
Classification: Uncertain significance for Adams-Oliver syndrome 5. Last evaluated: 2022-11-12. Review status: criteria provided, single submitter. Criteria: Invitae Variant Classification Sherloc (09022015). Collection method: clinical testing. Allele origin: germline.
Comment: This sequence change falls in intron 19 of the NOTCH1 gene. It does not directly change the encoded amino acid sequence of the NOTCH1 protein. It affects a nucleotide within the consensus splice site. This variant is not present in population databases (gnomAD no frequency). This variant has not been reported in the literature in individuals affected with NOTCH1-related conditions. Variants that disrupt the consensus splice site are a relatively common cause of aberrant splicing (PMID: 17576681, 9536098). Algorithms developed to predict the effect of sequence changes on RNA splicing suggest that this variant is not likely to affect RNA splicing. In summary, the available evidence is currently insufficient to determine the role of this variant in disease. Therefore, it has been classified as a Variant of Uncertain Significance.

Revvity Omics, Revvity
Classification: Uncertain significance. Last evaluated: 2021-05-24. Review status: criteria provided, single submitter. Criteria: ACMG Guidelines, 2015. Collection method: clinical testing. Allele origin: germline.

Literature cited by the submitters: PubMed 17576681 (cited by Labcorp Genetics (formerly Invitae), Labcorp); PubMed 9536098 (cited by Labcorp Genetics (formerly Invitae), Labcorp).

NM_017617.5(NOTCH1):c.3171+3G>A

Gene: NOTCH1 (notch receptor 1; minus strand). Cytogenetic location: 9q34.3.
Variant type: single nucleotide variant.
Coding change: c.3171+3G>A on transcript NM_017617.5 (MANE Select); 3 bases into the intron after coding-DNA position 3171, G replaced by A.
Molecular consequence: intron variant.
Genome position (GRCh38, 1-based): chr9:136,508,867, C>T on the plus strand (G>A on the coding strand, the complement: NOTCH1 is on the minus strand). VCF-style: chr9-136508867-C-T. GRCh37 (hg19) VCF-style: chr9-139403319-C-T.
Identifiers: ClinVar variation 2434392 (VCV002434392.6), dbSNP rs1431447273, ClinGen allele CA2580080937.